The following is an entry in ClinVar:

NM_002709.3(PPP1CB):c.53-21_53-20del

Gene: PPP1CB (protein phosphatase 1 catalytic subunit beta; plus strand). Cytogenetic location: 2p23.2.
Variant type: Deletion.
Coding change: c.53-21_53-20del on transcript NM_002709.3 (MANE Select); 21 bases into the intron before coding-DNA position 53 through 20 bases into the intron before coding-DNA position 53, 2 bases deleted (GT; older notation c.53-21_53-20delGT).
Molecular consequence: intron variant.
Genome position (GRCh38, 1-based): chr2:28,776,830-28,776,831, GT deleted; deleting any 2 consecutive bases within chr2:28,776,829-28,776,831 gives the same sequence; the c. name uses the placement nearest the transcript's 3' end. VCF-style (leftmost placement, unchanged base first): chr2-28776828-CTG-C. GRCh37 (hg19) VCF-style: chr2-28999694-CTG-C.
Other names: c.53-21_53-20del (NM_206876.2); c.53-21_53-20delGT (NM_002709.3).
Identifiers: ClinVar variation 3339090 (VCV003339090.1).

ClinVar aggregate classification (germline): Benign (1 of 4 stars; one submission).

Submission:

Women's Health and Genetics/Laboratory Corporation of America, LabCorp
Classification: Benign. Last evaluated: 2024-07-08. Review status: criteria provided, single submitter. Criteria: LabCorp Variant Classification Summary - May 2015. Collection method: clinical testing. Allele origin: germline.
Comment: Variant summary: PPP1CB c.53-21_53-20delGT alters a nucleotide located at a position not widely known to affect splicing. Consensus agreement among computation tools predict no significant impact on normal splicing. However, these predictions have yet to be confirmed by functional studies. The variant allele was found at a frequency of 0.00065 in 241896 control chromosomes, predominantly at a frequency of 0.0094 within the African or African-American subpopulation in the gnomAD database, including 1 homozygote. The observed variant frequency within African or African-American control individuals in the gnomAD database is approximately 3760 fold of the estimated maximal expected allele frequency for a pathogenic variant in PPP1CB causing Noonan Syndrome With Loose Anagen Hair phenotype (2.5e-06). To our knowledge, no occurrence of c.53-21_53-20delGT in individuals affected with PPP1CB-related conditions and no experimental evidence demonstrating its impact on protein function have been reported. No submitters have cited clinical-significance assessments for this variant to ClinVar. Based on the evidence outlined above, the variant was classified as benign.